The following is an entry in ClinVar:

NM_001042492.3(NF1):c.7660_7667del (p.Pro2554fs)

Gene: NF1 (neurofibromin 1; plus strand). Cytogenetic location: 17q11.2.
Variant type: Deletion.
Coding change: c.7660_7667del on transcript NM_001042492.3 (MANE Select); coding-DNA positions 7660 to 7667, 8 bases deleted (CCTAAAAG; older notation c.7660_7667delCCTAAAAG).
Protein change: p.Pro2554fs; shifts the reading frame from proline 2554.
Molecular consequence: frameshift variant.
Genome position (GRCh38, 1-based): chr17:31,356,504-31,356,511, CCTAAAAG deleted. VCF-style (leftmost placement, unchanged base first): chr17-31356503-TCCTAAAAG-T. GRCh37 (hg19) VCF-style: chr17-29683521-TCCTAAAAG-T.
Other names: c.7597_7604delCCTAAAAG, p.Pro2533Alafs (NM_000267.4); short protein forms P2533fs, P2554fs.
Identifiers: ClinVar variation 2120511 (VCV002120511.4), dbSNP rs2508823978, ClinGen allele CA2580093437.

ClinVar aggregate classification (germline): Pathogenic (1 of 4 stars; one submission).

Conditions:
Neurofibromatosis, type 1 (NF1). Also called: NEUROFIBROMATOSIS, TYPE I, SOMATIC; Neurofibromatosis, type I; Peripheral type neurofibromatosis; VON RECKLINGHAUSEN DISEASE. Identifiers: Orphanet 636, MedGen C0027831, MONDO:0018975, OMIM 162200. Disease mechanism: loss of function.

Submission:

Labcorp Genetics (formerly Invitae), Labcorp
Classification: Pathogenic for Neurofibromatosis, type 1. Last evaluated: 2022-04-01. Review status: criteria provided, single submitter. Criteria: Invitae Variant Classification Sherloc (09022015). Collection method: clinical testing. Allele origin: germline.
Comment: For these reasons, this variant has been classified as Pathogenic. This variant has not been reported in the literature in individuals affected with NF1-related conditions. This variant is not present in population databases (gnomAD no frequency). This sequence change creates a premature translational stop signal (p.Pro2533Alafs*20) in the NF1 gene. It is expected to result in an absent or disrupted protein product. Loss-of-function variants in NF1 are known to be pathogenic (PMID: 10712197, 23913538).

Literature cited by the submitters: PubMed 10712197; PubMed 23913538.